The following is an entry in ClinVar:

ClinVar aggregate classification (germline): Pathogenic (1 of 4 stars; one submission).

Allele frequency attached by ClinVar (database versions not stated): gnomAD 0.00001; TOPMed 0.00001.
gnomAD v4.1: 2 of 1,613,828 alleles (0.00012%); highest among the groups gnomAD compares: African/African-American, 0.0027%; no homozygotes.

Submission:

Labcorp Genetics (formerly Invitae), Labcorp
Classification: Pathogenic. Last evaluated: 2023-02-21. Review status: criteria provided, single submitter. Criteria: Invitae Variant Classification Sherloc (09022015). Collection method: clinical testing. Allele origin: germline.
Comment: For these reasons, this variant has been classified as Pathogenic. Algorithms developed to predict the effect of sequence changes on RNA splicing suggest that this variant may disrupt the consensus splice site. This variant has not been reported in the literature in individuals affected with FRAS1-related conditions. This variant is not present in population databases (gnomAD no frequency). This sequence change creates a premature translational stop signal (p.Glu773*) in the FRAS1 gene. It is expected to result in an absent or disrupted protein product. Loss-of-function variants in FRAS1 are known to be pathogenic (PMID: 12766769, 18671281).

Literature cited by the submitters: PubMed 12766769; PubMed 18671281.

NM_025074.7(FRAS1):c.2317G>T (p.Glu773Ter)

Gene: FRAS1 (Fraser extracellular matrix complex subunit 1; plus strand). Cytogenetic location: 4q21.21.
Variant type: single nucleotide variant.
Coding change: c.2317G>T on transcript NM_025074.7 (MANE Select); coding-DNA position 2317, G replaced by T.
Protein change: p.Glu773Ter; replaces glutamic acid 773 with a stop codon.
Molecular consequence: nonsense.
Genome position (GRCh38, 1-based): chr4:78,337,712, G>T. VCF-style: chr4-78337712-G-T. GRCh37 (hg19) VCF-style: chr4-79258866-G-T.
Other names: c.2317G>T, p.Glu773Ter (NM_001166133.2); short protein forms E773*.
Identifiers: ClinVar variation 2790434 (VCV002790434.3), dbSNP rs1255742539, ClinGen allele CA357369781.
Genomic context (GRCh38, chr4:78,337,712, plus strand): 5'-CTGGTTTTCGTCCCCCTGCCAGAGTGTCACCCAACCTGCAGGCAGTGTCATGGGCCGTTG[G>T]AGTCTGACTGCATCTCCTGTTACCCTCACATCTCTCTTACCAATGGTAACTGCAGGACCA-3'